The following is an entry in ClinVar:

ClinVar aggregate classification (germline): Uncertain significance. Review status: criteria provided, multiple submitters, no conflicts (2 of 4 stars). 2 submissions from 2 submitters: Uncertain significance (2). Last evaluated 2025-12-16.

Conditions:
Inborn genetic diseases. Identifiers: MedGen C0950123, MeSH D030342.

gnomAD v4.1: 2 of 1,612,808 alleles (0.00012%); highest among the groups gnomAD compares: African/African-American, 0.0027%; no homozygotes.

Submissions (2):

Labcorp Genetics (formerly Invitae), Labcorp
Classification: Uncertain significance. Last evaluated: 2025-12-16. Review status: criteria provided, single submitter. Criteria: Invitae Variant Classification Sherloc (09022015). Collection method: clinical testing. Allele origin: germline.
Comment: This sequence change replaces isoleucine, which is neutral and non-polar, with serine, which is neutral and polar, at codon 732 of the CDH2 protein (p.Ile732Ser). This variant is present in population databases (no rsID available, gnomAD 0.007%). This variant has not been reported in the literature in individuals affected with CDH2-related conditions. ClinVar contains an entry for this variant (Variation ID: 3626496). An algorithm developed to predict the effect of missense changes on protein structure and function (PolyPhen-2) suggests that this variant is likely to be disruptive. In summary, the available evidence is currently insufficient to determine the role of this variant in disease. Therefore, it has been classified as a Variant of Uncertain Significance.

Ambry Genetics
Classification: Uncertain significance for Inborn genetic diseases. Last evaluated: 2025-02-10. Review status: criteria provided, single submitter. Criteria: Ambry Variant Classification Scheme 2023. Collection method: clinical testing. Allele origin: germline.
Comment: The p.I732S variant (also known as c.2195T>G), located in coding exon 13 of the CDH2 gene, results from a T to G substitution at nucleotide position 2195. The isoleucine at codon 732 is replaced by serine, an amino acid with dissimilar properties. This amino acid position is conserved. In addition, this alteration is predicted to be deleterious by in silico analysis. Based on the available evidence, the clinical significance of this variant remains unclear.

NM_001792.5(CDH2):c.2195T>G (p.Ile732Ser)

Gene: CDH2 (cadherin 2; minus strand). Cytogenetic location: 18q12.1.
Variant type: single nucleotide variant.
Coding change: c.2195T>G on transcript NM_001792.5 (MANE Select); coding-DNA position 2195, T replaced by G.
Protein change: p.Ile732Ser; replaces isoleucine 732 with serine.
Molecular consequence: missense variant.
Genome position (GRCh38, 1-based): chr18:27,985,014, A>C on the plus strand (T>G on the coding strand, the complement: CDH2 is on the minus strand). VCF-style: chr18-27985014-A-C. GRCh37 (hg19) VCF-style: chr18-25564978-A-C.
Other names: c.2195T>G (NM_001792.3); c.2102T>G, p.Ile701Ser (NM_001308176.2); short protein forms I701S, I732S.
Identifiers: ClinVar variation 3626496 (VCV003626496.3).